The following is an entry in ClinVar:

ClinVar aggregate classification (germline): Pathogenic (1 of 4 stars; one submission).

Submission:

GeneDx
Classification: Pathogenic. Last evaluated: 2025-03-06. Review status: criteria provided, single submitter. Criteria: GeneDx Variant Classification Process June 2021. Collection method: clinical testing. Allele origin: germline. Affected: yes.
Comment: Frameshift variant predicted to result in protein truncation or nonsense mediated decay in a gene for which loss of function is a known mechanism of disease; Not observed at significant frequency in large population cohorts (gnomAD); This variant is associated with the following publications: (PMID: 27838393)

NM_001042492.3(NF1):c.425del (p.Leu142fs)

Gene: NF1 (neurofibromin 1; plus strand). Cytogenetic location: 17q11.2.
Variant type: Deletion.
Coding change: c.425del on transcript NM_001042492.3 (MANE Select); coding-DNA position 425, one base deleted (T; older notation c.425delT).
Protein change: p.Leu142fs; shifts the reading frame from leucine 142.
Molecular consequence: frameshift variant.
Genome position (GRCh38, 1-based): chr17:31,163,322, T deleted; the last of 4 consecutive T bases (chr17:31,163,319-31,163,322); deleting any one gives the same sequence. VCF-style (leftmost placement, unchanged base first): chr17-31163318-GT-G. GRCh37 (hg19) VCF-style: chr17-29490336-GT-G.
Other names: c.425delT, p.Leu142Tyrfs (NM_000267.3); c.425del, p.Leu142fs (NM_000267.4, NM_001128147.3); short protein forms L142fs.
Identifiers: ClinVar variation 4083385 (VCV004083385.1).